The following is an entry in ClinVar:

NM_000275.3(OCA2):c.1679G>A (p.Arg560His)

Gene: OCA2 (OCA2 melanosomal transmembrane protein; minus strand). Cytogenetic location: 15q13.1.
Variant type: single nucleotide variant.
Coding change: c.1679G>A on transcript NM_000275.3 (MANE Select); coding-DNA position 1679, G replaced by A.
Protein change: p.Arg560His; replaces arginine 560 with histidine.
Molecular consequence: missense variant.
Genome position (GRCh38, 1-based): chr15:27,957,693, C>T on the plus strand (G>A on the coding strand, the complement: OCA2 is on the minus strand). VCF-style: chr15-27957693-C-T. GRCh37 (hg19) VCF-style: chr15-28202839-C-T.
Other names: c.1607G>A, p.Arg536His (NM_001300984.2); short protein forms R560H, R536H.
Identifiers: ClinVar variation 436094 (VCV000436094.25), dbSNP rs35110389, ClinGen allele CA7438947.
Genomic context (GRCh38, chr15:27,957,693, plus strand): 5'-AGCACCTTCCCCAGCAGCAGGCGGCGCACAGCTGTCTCCTCGCGGCTGGCCGGGCTGATG[C>T]GCTGAGCAGTCAGGCGCCAGACGTGAATCTCGTGCTTCAGTTCTGCAGAGAAAGGAAGGC-3'
Protein context (NP_000266.2, residues 550-570): EIHVWRLTAQ[Arg560His]ISPASREETA

ClinVar aggregate classification (germline): Benign/Likely benign. Review status: criteria provided, multiple submitters, no conflicts (2 of 4 stars). 6 submissions from 6 submitters: Benign (1); Likely benign (5). Last evaluated 2026-08-01.

Conditions:
Tyrosinase-positive oculocutaneous albinism (OCA2). Also called: Oculocutaneous albinism type 2; Albinism, oculocutaneous, type II; ALBINISM II. Identifiers: Orphanet 79432, MedGen C0268495, MONDO:0008746, OMIM 203200.

Allele frequency attached by ClinVar (database versions not stated): gnomAD exomes 0.00086; ExAC 0.00107; 1000 Genomes Project 30x 0.00250; 1000 Genomes Project 0.00280; ESP Exome Variant Server 0.00377; gnomAD 0.00395; TOPMed 0.00410.
gnomAD v4.1: 1,037 of 1,613,086 alleles (0.064%); highest among the groups gnomAD compares: African/African-American, 1.2%; 6 homozygotes.

Submissions (6):

CeGaT Center for Human Genetics Tuebingen
Classification: Likely benign. Last evaluated: 2026-08-01. Review status: criteria provided, single submitter. Criteria: CeGaT Center For Human Genetics Tuebingen Variant Classification Criteria Version 2. Collection method: clinical testing. Allele origin: germline. Affected: yes. Observed: 3 variant alleles.
Comment: OCA2: PM5, BS1

Labcorp Genetics (formerly Invitae), Labcorp
Classification: Benign. Last evaluated: 2026-02-04. Review status: criteria provided, single submitter. Criteria: Invitae Variant Classification Sherloc (09022015). Collection method: clinical testing. Allele origin: germline.

Blueprint Genetics
Classification: Likely benign. Last evaluated: 2024-10-09. Review status: criteria provided, single submitter. Criteria: ACMG Guidelines, 2015. Collection method: clinical testing. Allele origin: germline.

Illumina Laboratory Services, Illumina
Classification: Likely benign for Tyrosinase-positive oculocutaneous albinism. Last evaluated: 2017-10-17. Review status: criteria provided, single submitter. Criteria: ICSL Variant Classification Criteria 13 December 2019. Collection method: clinical testing. Allele origin: germline.
Comment: This variant was observed as part of a predisposition screen in an ostensibly healthy population. A literature search was performed for the gene, cDNA change, and amino acid change (where applicable). Publications were found based on this search. The evidence from the literature, in combination with allele frequency data from public databases where available, was sufficient to determine this variant is unlikely to cause disease. Therefore, this variant is classified as likely benign.

Genetic Services Laboratory, University of Chicago
Classification: Likely benign. Last evaluated: 2015-10-20. Review status: criteria provided, single submitter. Criteria: ACMG Guidelines, 2015. Collection method: clinical testing. Allele origin: germline. Affected: no.

Breakthrough Genomics
Classification: Likely benign. Review status: criteria provided, single submitter. Criteria: ACMG Guidelines, 2015. Collection method: not provided. Allele origin: germline. Inheritance: Autosomal recessive inheritance. Affected: yes.

Literature cited by the submitters: PubMed 23824587 (cited by Illumina Laboratory Services, Illumina).